The following is an entry in ClinVar:

NM_001069.3(TUBB2A):c.527C>T (p.Ser176Leu)

Gene: TUBB2A (tubulin beta 2A class IIa; minus strand). Cytogenetic location: 6p25.2.
Variant type: single nucleotide variant.
Coding change: c.527C>T on transcript NM_001069.3 (MANE Select); coding-DNA position 527, C replaced by T.
Protein change: p.Ser176Leu; replaces serine 176 with leucine.
Molecular consequence: missense variant.
Genome position (GRCh38, 1-based): chr6:3,154,674, G>A on the plus strand (C>T on the coding strand, the complement: TUBB2A is on the minus strand). VCF-style: chr6-3154674-G-A. GRCh37 (hg19) VCF-style: chr6-3154908-G-A.
Other names: c.272C>T, p.Ser91Leu (NM_001310315.2); short protein forms S91L, S176L.
Identifiers: ClinVar variation 4742126 (VCV004742126.1).

ClinVar aggregate classification (germline): Uncertain significance (1 of 4 stars; one submission).

Submission:

Labcorp Genetics (formerly Invitae), Labcorp
Classification: Uncertain significance. Last evaluated: 2025-06-22. Review status: criteria provided, single submitter. Criteria: Invitae Variant Classification Sherloc (09022015). Collection method: clinical testing. Allele origin: germline.
Comment: This sequence change replaces serine, which is neutral and polar, with leucine, which is neutral and non-polar, at codon 176 of the TUBB2A protein (p.Ser176Leu). This variant is not present in population databases (gnomAD no frequency). This variant has not been reported in the literature in individuals affected with TUBB2A-related conditions. Invitae Evidence Modeling of protein sequence and biophysical properties (such as structural, functional, and spatial information, amino acid conservation, physicochemical variation, residue mobility, and thermodynamic stability) indicates that this missense variant is expected to disrupt TUBB2A protein function with a positive predictive value of 80%. In summary, the available evidence is currently insufficient to determine the role of this variant in disease. Therefore, it has been classified as a Variant of Uncertain Significance.